The following is an entry in ClinVar:

ClinVar aggregate classification (germline): Uncertain significance (1 of 4 stars; one submission).

Conditions:
Eichsfeld type congenital muscular dystrophy (CMYO3). Also called: Rigid spine muscular dystrophy 1; MYOPATHY, SEPN1-RELATED; SELENON-related myopathy; Congenital myopathy 3 with rigid spine. Identifiers: MedGen C0410180, MONDO:0100100, OMIM 602771.

Submission:

Labcorp Genetics (formerly Invitae), Labcorp
Classification: Uncertain significance for Eichsfeld type congenital muscular dystrophy. Last evaluated: 2022-03-18. Review status: criteria provided, single submitter. Criteria: Invitae Variant Classification Sherloc (09022015). Collection method: clinical testing. Allele origin: germline.
Comment: ClinVar contains an entry for this variant (Variation ID: 1056615). In summary, the available evidence is currently insufficient to determine the role of this variant in disease. Therefore, it has been classified as a Variant of Uncertain Significance. Algorithms developed to predict the effect of missense changes on protein structure and function are either unavailable or do not agree on the potential impact of this missense change (SIFT: "Deleterious"; PolyPhen-2: "Possibly Damaging"; Align-GVGD: "Class C0"). This missense change has been observed in individual(s) with SELENON-related conditions (PMID: 33762497). This variant is not present in population databases (gnomAD no frequency). This sequence change replaces phenylalanine, which is neutral and non-polar, with serine, which is neutral and polar, at codon 76 of the SELENON protein (p.Phe76Ser).

Literature cited by the submitters: PubMed 33762497.

NM_206926.2(SELENON):c.227T>C (p.Phe76Ser)

Gene: SELENON (selenoprotein N; plus strand). Cytogenetic location: 1p36.11.
Variant type: single nucleotide variant.
Coding change: c.227T>C on transcript NM_206926.2 (MANE Select); coding-DNA position 227, T replaced by C.
Protein change: p.Phe76Ser; replaces phenylalanine 76 with serine.
Molecular consequence: missense variant.
Genome position (GRCh38, 1-based): chr1:25,801,086, T>C. VCF-style: chr1-25801086-T-C. GRCh37 (hg19) VCF-style: chr1-26127577-T-C.
Other names: c.227T>C, p.Phe76Ser (NM_020451.3); short protein forms F76S.
Identifiers: ClinVar variation 1056615 (VCV001056615.9), dbSNP rs2124437633, ClinGen allele CA339107264.